The following is an entry in ClinVar:

ClinVar aggregate classification (germline): Likely pathogenic (1 of 4 stars; one submission).

Conditions:
Ehlers-Danlos syndrome, kyphoscoliotic type 1 (EDSKSCL1). Also called: EHLERS-DANLOS SYNDROME, OCULAR-SCOLIOTIC TYPE; Ehlers-Danlos syndrome, hydroxylysine-deficient; EHLERS-DANLOS SYNDROME, TYPE VIA; PLOD1-Related Kyphoscoliotic Ehlers-Danlos Syndrome. Identifiers: Orphanet 1900, MedGen C0268342, MONDO:0016002, OMIM 225400. Disease mechanism: loss of function.

Submission:

Variantyx, Inc.
Classification: Likely pathogenic for Ehlers-Danlos syndrome, kyphoscoliotic type 1. Last evaluated: 2025-11-12. Review status: criteria provided, single submitter. Criteria: Variantyx Assertion Criteria 2022. Collection method: clinical testing. Allele origin: germline. Inheritance: Autosomal recessive inheritance. Affected: no.
Comment: This is a frameshift variant in the PLOD1 gene (OMIM: 153454). Pathogenic variants in this gene have been associated with autosomal recessive Ehlers-Danlos syndrome kyphoscoliotic type 1. This variant introduces a premature termination codon in exon 17 out of 19 and is expected to result in loss of function, which is a known disease mechanism for PLOD1 in this disorder (PMID: 10874315, 21699693) (PVS1). It has a 0.0036% maximum allele frequency in non-founder control populations (PM2_Supporting and it has not been reported in individuals with PLOD1-related disorders in the databases available for review. Based on the current evidence, this variant is classified as pathogenic for autosomal recessive Ehlers-Danlos syndrome kyphoscoliotic type 1.

Literature cited by the submitters: PubMed 10874315; PubMed 21699693.

NM_015378.4(VPS13D):c.1870del (p.Arg624fs)

Gene: VPS13D (vacuolar protein sorting 13 homolog D; plus strand). Cytogenetic location: 1p36.22.
Variant type: Deletion.
Coding change: c.1870del on transcript NM_015378.4 (MANE Select); coding-DNA position 1870, one base deleted (A; older notation c.1870delA).
Protein change: p.Arg624fs; shifts the reading frame from arginine 624.
Molecular consequence: frameshift variant.
Genome position (GRCh38, 1-based): chr1:12,268,774, A deleted. VCF-style (leftmost placement, unchanged base first): chr1-12268773-GA-G. GRCh37 (hg19) VCF-style: chr1-12328830-GA-G.
Other names: c.1870del, p.Arg624fs (NM_018156.4); short protein forms R624fs.
Identifiers: ClinVar variation 4850136 (VCV004850136.1).